The following is an entry in ClinVar:

ClinVar aggregate classification (germline): Uncertain significance (1 of 4 stars; one submission).

Conditions:
Ehlers-Danlos syndrome, classic type, 1 (EDSCL1). Also called: EHLERS-DANLOS SYNDROME, GRAVIS TYPE; EHLERS-DANLOS SYNDROME, SEVERE CLASSIC TYPE; Ehlers-Danlos syndrome, type 1; Ehlers-Danlos Syndrome, Classic Type, COL5A1-Related; EDS I. Identifiers: MedGen C0268335, MONDO:0019567, OMIM 130000.

gnomAD v4.1: 1 of 1,614,060 alleles (0.000062%); highest among the groups gnomAD compares: Non-Finnish European, 0.000085%; no homozygotes.

Submission:

Labcorp Genetics (formerly Invitae), Labcorp
Classification: Uncertain significance for Ehlers-Danlos syndrome, classic type, 1. Last evaluated: 2025-01-27. Review status: criteria provided, single submitter. Criteria: Invitae Variant Classification Sherloc (09022015). Collection method: clinical testing. Allele origin: germline.
Comment: This sequence change replaces glutamic acid, which is acidic and polar, with lysine, which is basic and polar, at codon 1488 of the COL5A2 protein (p.Glu1488Lys). This variant is not present in population databases (gnomAD no frequency). This variant has not been reported in the literature in individuals affected with COL5A2-related conditions. Invitae Evidence Modeling of protein sequence and biophysical properties (such as structural, functional, and spatial information, amino acid conservation, physicochemical variation, residue mobility, and thermodynamic stability) indicates that this missense variant is not expected to disrupt COL5A2 protein function with a negative predictive value of 80%. In summary, the available evidence is currently insufficient to determine the role of this variant in disease. Therefore, it has been classified as a Variant of Uncertain Significance.

NM_000393.5(COL5A2):c.4462G>A (p.Glu1488Lys)

Gene: COL5A2 (collagen type V alpha 2 chain; minus strand). Cytogenetic location: 2q32.2.
Variant type: single nucleotide variant.
Coding change: c.4462G>A on transcript NM_000393.5 (MANE Select); coding-DNA position 4462, G replaced by A.
Protein change: p.Glu1488Lys; replaces glutamic acid 1488 with lysine.
Molecular consequence: missense variant.
Genome position (GRCh38, 1-based): chr2:189,034,108, C>T on the plus strand (G>A on the coding strand, the complement: COL5A2 is on the minus strand). VCF-style: chr2-189034108-C-T. GRCh37 (hg19) VCF-style: chr2-189898834-C-T.
Other names: short protein forms E1488K.
Identifiers: ClinVar variation 3681494 (VCV003681494.2).